The following is an entry in ClinVar:

ClinVar aggregate classification (germline): Pathogenic. Review status: criteria provided, multiple submitters, no conflicts (2 of 4 stars). 2 submissions from 2 submitters: Pathogenic (2). Last evaluated 2023-12-11.

Conditions:
Hereditary hemorrhagic telangiectasia (HHT). Also called: ORW DISEASE; Osler Weber Rendu syndrome; OSLER-RENDU-WEBER DISEASE; Osler hemorrhagic telangiectasia syndrome. Identifiers: Orphanet 774, MedGen C0039445, MONDO:0019180. Disease mechanism: loss of function.

Submissions (2):

Labcorp Genetics (formerly Invitae), Labcorp
Classification: Pathogenic for Hereditary hemorrhagic telangiectasia. Last evaluated: 2023-12-11. Review status: criteria provided, single submitter. Criteria: Invitae Variant Classification Sherloc (09022015). Collection method: clinical testing. Allele origin: germline.
Comment: This sequence change replaces leucine, which is neutral and non-polar, with proline, which is neutral and non-polar, at codon 14 of the ENG protein (p.Leu14Pro). This variant is not present in population databases (gnomAD no frequency). This missense change has been observed in individual(s) with clinical features of hereditary hemorrhagic telangiectasia (PMID: 21158752; Invitae). It has also been observed to segregate with disease in related individuals. ClinVar contains an entry for this variant (Variation ID: 439647). Advanced modeling of protein sequence and biophysical properties (such as structural, functional, and spatial information, amino acid conservation, physicochemical variation, residue mobility, and thermodynamic stability) has been performed at Invitae for this missense variant, however the output from this modeling did not meet the statistical confidence thresholds required to predict the impact of this variant on ENG protein function. For these reasons, this variant has been classified as Pathogenic.

ARUP Laboratories, Molecular Genetics and Genomics, ARUP Laboratories
Classification: Pathogenic. Last evaluated: 2016-09-14. Review status: criteria provided, single submitter. Criteria: ARUP Molecular Germline Variant Investigation Process. Collection method: clinical testing. Allele origin: germline.

Literature cited by the submitters: PubMed 21158752 (cited by Labcorp Genetics (formerly Invitae), Labcorp).

NM_001114753.3(ENG):c.41T>C (p.Leu14Pro)

Gene: ENG (endoglin; minus strand). Cytogenetic location: 9q34.11.
Variant type: single nucleotide variant.
Coding change: c.41T>C on transcript NM_001114753.3 (MANE Select); coding-DNA position 41, T replaced by C.
Protein change: p.Leu14Pro; replaces leucine 14 with proline.
Molecular consequence: missense variant.
Genome position (GRCh38, 1-based): chr9:127,854,315, A>G on the plus strand (T>C on the coding strand, the complement: ENG is on the minus strand). VCF-style: chr9-127854315-A-G. GRCh37 (hg19) VCF-style: chr9-130616594-A-G.
Other names: c.41T>C, p.Leu14Pro (NM_000118.4, NM_001406715.1); short protein forms L14P.
Identifiers: ClinVar variation 439647 (VCV000439647.16), dbSNP rs1554813788, ClinGen allele CA374989588.